The following is an entry in ClinVar:

NM_000257.4(MYH7):c.1562T>C (p.Ile521Thr)

Gene: MYH7 (myosin heavy chain 7; minus strand). Cytogenetic location: 14q11.2.
Variant type: single nucleotide variant.
Coding change: c.1562T>C on transcript NM_000257.4 (MANE Select); coding-DNA position 1562, T replaced by C.
Protein change: p.Ile521Thr; replaces isoleucine 521 with threonine.
Molecular consequence: missense variant.
Genome position (GRCh38, 1-based): chr14:23,428,516, A>G on the plus strand (T>C on the coding strand, the complement: MYH7 is on the minus strand). VCF-style: chr14-23428516-A-G. GRCh37 (hg19) VCF-style: chr14-23897725-A-G.
Other names: short protein forms I521T.
Identifiers: ClinVar variation 177795 (VCV000177795.12), dbSNP rs727504328, ClinGen allele CA010947.

ClinVar aggregate classification (germline): Uncertain significance. Review status: criteria provided, multiple submitters, no conflicts (2 of 4 stars). 4 submissions from 4 submitters: Uncertain significance (4). Last evaluated 2024-11-24.

Conditions:
Cardiomyopathy (CMYO). Also called: Cardiomyopathies. Identifiers: Orphanet 167848, MedGen C0878544, MONDO:0004994, HP:0001638. Inheritance: Various modes of inheritance.
Hypertrophic cardiomyopathy. Also called: HYPERTROPHIC MYOCARDIOPATHY. Identifiers: Orphanet 217569, MedGen C0007194, MeSH D002312, MONDO:0005045, HP:0001639.

Allele frequency attached by ClinVar (database versions not stated): gnomAD exomes below 0.00001.
gnomAD v4.1: 4 of 1,614,222 alleles (0.00025%); highest among the groups gnomAD compares: South Asian, 0.0011%; no homozygotes.

Submissions (4):

Labcorp Genetics (formerly Invitae), Labcorp
Classification: Uncertain significance for Hypertrophic cardiomyopathy. Last evaluated: 2024-11-24. Review status: criteria provided, single submitter. Criteria: Invitae Variant Classification Sherloc (09022015). Collection method: clinical testing. Allele origin: germline.
Comment: This sequence change replaces isoleucine, which is neutral and non-polar, with threonine, which is neutral and polar, at codon 521 of the MYH7 protein (p.Ile521Thr). This variant is not present in population databases (gnomAD no frequency). This missense change has been observed in individual(s) with clinical features of hypertrophic cardiomyopathy (PMID: 25611685, 27532257, 37652022). ClinVar contains an entry for this variant (Variation ID: 177795). Invitae Evidence Modeling of protein sequence and biophysical properties (such as structural, functional, and spatial information, amino acid conservation, physicochemical variation, residue mobility, and thermodynamic stability) indicates that this missense variant is expected to disrupt MYH7 protein function with a positive predictive value of 95%. This variant is found within a region of MYH7 between codons 181 and 937 that contains the majority of the myosin head domain. Missense variants in this region have been shown to be significantly overrepresented in individuals with hypertrophic cardiomyopathy (PMID: 27532257). In summary, the available evidence is currently insufficient to determine the role of this variant in disease. Therefore, it has been classified as a Variant of Uncertain Significance.

GeneDx
Classification: Uncertain significance. Last evaluated: 2024-09-17. Review status: criteria provided, single submitter. Criteria: GeneDx Variant Classification Process June 2021. Collection method: clinical testing. Allele origin: germline. Affected: yes.
Comment: Not observed at significant frequency in large population cohorts (gnomAD); In silico analysis supports that this missense variant has a deleterious effect on protein structure/function; This variant is associated with the following publications: (PMID: 25611685, 27532257, 29300372, 37652022, 38254962, 34542152)

All of Us Research Program, National Institutes of Health
Classification: Uncertain significance for Cardiomyopathy. Last evaluated: 2023-09-17. Review status: criteria provided, single submitter. Criteria: ACMG Guidelines, 2015. Collection method: clinical testing. Allele origin: germline. Inheritance: Autosomal dominant inheritance. Observed: 3 variant alleles, 3 heterozygotes.
Comment: This missense variant replaces isoleucine with threonine at codon 521 of the MYH7 protein. Computational prediction suggests that this variant may have a deleterious impact on protein structure and function (internally defined REVEL score threshold >= 0.7, PMID: 27666373). This variant is found within a highly conserved region of the myosin head domain. Missense variants in this region have been shown to be significantly overrepresented in individuals with hypertrophic cardiomyopathy (PMID: 27532257). To our knowledge, functional studies have not been reported for this variant. This variant has been reported in an individual affected with hypertrophic cardiomyopathy (PMID: 25611685, 27532257). This variant has not been identified in the general population by the Genome Aggregation Database (gnomAD). The available evidence is insufficient to determine the role of this variant in disease conclusively. Therefore, this variant is classified as a Variant of Uncertain Significance.

This study involves interpretation of variants in research participants for the purpose of population health screening. Participant phenotype was not available at the time of variant classification. Additional details can be found in publication PMID: 35346344, PMCID: PMC8962531

Laboratory for Molecular Medicine, Mass General Brigham Personalized Medicine
Classification: Uncertain significance. Last evaluated: 2016-09-01. Review status: criteria provided, single submitter. Criteria: LMM Criteria. Collection method: clinical testing. Allele origin: germline. Observed: 3 variant alleles.
Comment: Variant classified as Uncertain Significance - Favor Pathogenic. It was absent from l arge population studies. Isoleucine (Ile) at position 521 is highly conserved in mammals and across evolutionarily distant species and the change to threonine ( Thr) was predicted to be pathogenic using a computational tool clinically valida ted by our laboratory. This tool's pathogenic prediction is estimated to be corr ect 94% of the time (Jordan 2011). In summary, while there is some suspicion for a pathogenic role, the clinical significance of the p.Ile521Thr variant is unce rtain.

Literature cited by the submitters: PubMed 25611685 (cited by Labcorp Genetics (formerly Invitae), Labcorp and All of Us Research Program, National Institutes of Health); PubMed 27532257 (cited by Labcorp Genetics (formerly Invitae), Labcorp and All of Us Research Program, National Institutes of Health); PubMed 37652022 (cited by Labcorp Genetics (formerly Invitae), Labcorp).